The following is an entry in ClinVar:

ClinVar aggregate classification (germline): Conflicting classifications of pathogenicity. Review status: criteria provided, conflicting classifications (1 of 4 stars). 2 submissions from 2 submitters: Uncertain significance (1); Likely benign (1). Last evaluated 2024-05-30.

Conditions:
MEGF8-related Carpenter syndrome. Also called: Carpenter syndrome 2. Identifiers: Orphanet 65759, MedGen C3554247, MONDO:0013998, OMIM 614976.
Inborn genetic diseases. Identifiers: MedGen C0950123, MeSH D030342.

Allele frequency attached by ClinVar (database versions not stated): gnomAD exomes 0.00001; gnomAD 0.00006; ExAC 0.00007; TOPMed 0.00009; 1000 Genomes Project 0.00020; 1000 Genomes Project 30x 0.00031.
gnomAD v4.1: 25 of 1,613,866 alleles (0.0015%); highest among the groups gnomAD compares: Middle Eastern, 0.033%; no homozygotes.

Submissions (2):

Ambry Genetics
Classification: Likely benign for Inborn genetic diseases. Last evaluated: 2024-05-30. Review status: criteria provided, single submitter. Criteria: Ambry Variant Classification Scheme 2023. Collection method: clinical testing. Allele origin: germline.

Labcorp Genetics (formerly Invitae), Labcorp
Classification: Uncertain significance for MEGF8-related Carpenter syndrome. Last evaluated: 2022-09-01. Review status: criteria provided, single submitter. Criteria: Invitae Variant Classification Sherloc (09022015). Collection method: clinical testing. Allele origin: germline.
Comment: This sequence change replaces alanine, which is neutral and non-polar, with threonine, which is neutral and polar, at codon 2237 of the MEGF8 protein (p.Ala2237Thr). This variant is present in population databases (rs185811990, gnomAD 0.07%). This variant has not been reported in the literature in individuals affected with MEGF8-related conditions. Algorithms developed to predict the effect of missense changes on protein structure and function output the following: SIFT: "Tolerated"; PolyPhen-2: "Benign"; Align-GVGD: "Class C0". The threonine amino acid residue is found in multiple mammalian species, which suggests that this missense change does not adversely affect protein function. In summary, the available evidence is currently insufficient to determine the role of this variant in disease. Therefore, it has been classified as a Variant of Uncertain Significance.

NM_001271938.2(MEGF8):c.6910G>A (p.Ala2304Thr)

Gene: MEGF8 (multiple EGF like domains 8; plus strand). Cytogenetic location: 19q13.2.
Variant type: single nucleotide variant.
Coding change: c.6910G>A on transcript NM_001271938.2 (MANE Select); coding-DNA position 6910, G replaced by A.
Protein change: p.Ala2304Thr; replaces alanine 2304 with threonine.
Molecular consequence: missense variant.
Genome position (GRCh38, 1-based): chr19:42,370,264, G>A. VCF-style: chr19-42370264-G-A. GRCh37 (hg19) VCF-style: chr19-42874416-G-A.
Other names: c.6709G>A, p.Ala2237Thr (NM_001410.3); c.6709G>A (NM_001410.2); short protein forms A2237T, A2304T.
Identifiers: ClinVar variation 2039573 (VCV002039573.2), dbSNP rs185811990, ClinGen allele CA9476011.